The following is an entry in ClinVar:

ClinVar aggregate classification (germline): Conflicting classifications of pathogenicity. Review status: criteria provided, conflicting classifications (1 of 4 stars). 3 submissions from 3 submitters: Uncertain significance (2); Likely benign (1). Last evaluated 2026-01-08.

Conditions:
Familial hypobetalipoproteinemia 1. Also called: Hypobetalipoproteinemia, normotriglyceridemic; Acanthocytosis with hypobetalipoproteinemia; APOB-Related Familial Hypobetalipoproteinemia. Identifiers: MedGen C4551990, MONDO:0014252, OMIM 615558.
Hypercholesterolemia, autosomal dominant, type B (FHCL2). Also called: Familial Hypercholesterolemia Type B; HYPERCHOLESTEROLEMIA, FAMILIAL, DUE TO LIGAND-DEFECTIVE APOLIPOPROTEIN B; Familial hypercholesterolemia 2; APOB-Related Familial Hypercholesterolemia, Autosomal Dominant; APOLIPOPROTEIN B-100, FAMILIAL DEFECTIVE; APOLIPOPROTEIN B-100, FAMILIAL LIGAND-DEFECTIVE. Identifiers: MedGen C1704417, MONDO:0007751, OMIM 144010.
Cardiovascular phenotype. Identifiers: MedGen CN230736.

Allele frequency attached by ClinVar (database versions not stated): gnomAD exomes 0.00001; TOPMed 0.00001; gnomAD 0.00002.
gnomAD v4.1: 13 of 1,613,970 alleles (0.00081%); highest among the groups gnomAD compares: African/African-American, 0.0027%; no homozygotes.

Submissions (3):

Labcorp Genetics (formerly Invitae), Labcorp
Classification: Likely benign for Familial hypobetalipoproteinemia 1; Hypercholesterolemia, autosomal dominant, type B. Last evaluated: 2026-01-08. Review status: criteria provided, single submitter. Criteria: Invitae Variant Classification Sherloc (09022015). Collection method: clinical testing. Allele origin: germline.

Ambry Genetics
Classification: Uncertain significance for Cardiovascular phenotype. Last evaluated: 2024-06-18. Review status: criteria provided, single submitter. Criteria: Ambry Variant Classification Scheme 2023. Collection method: clinical testing. Allele origin: germline.
Comment: The p.R2520Q variant (also known as c.7559G>A), located in coding exon 26 of the APOB gene, results from a G to A substitution at nucleotide position 7559. The arginine at codon 2520 is replaced by glutamine, an amino acid with highly similar properties. This amino acid position is conserved. In addition, this alteration is predicted to be tolerated by in silico analysis. Since supporting evidence is limited at this time, the clinical significance of this alteration remains unclear.

GeneDx
Classification: Uncertain significance. Last evaluated: 2023-02-16. Review status: criteria provided, single submitter. Criteria: GeneDx Variant Classification Process June 2021. Collection method: clinical testing. Allele origin: germline. Affected: yes.
Comment: Not observed at significant frequency in large population cohorts (gnomAD); In silico analysis supports that this missense variant has a deleterious effect on protein structure/function; Has not been previously published as pathogenic or benign in association with dyslipidemia to our knowledge; This variant is associated with the following publications: (PMID: 30076208)

NM_000384.3(APOB):c.7559G>A (p.Arg2520Gln)

Gene: APOB (apolipoprotein B; minus strand). Cytogenetic location: 2p24.1.
Variant type: single nucleotide variant.
Coding change: c.7559G>A on transcript NM_000384.3 (MANE Select); coding-DNA position 7559, G replaced by A.
Protein change: p.Arg2520Gln; replaces arginine 2520 with glutamine.
Molecular consequence: missense variant.
Genome position (GRCh38, 1-based): chr2:21,009,309, C>T on the plus strand (G>A on the coding strand, the complement: APOB is on the minus strand). VCF-style: chr2-21009309-C-T. GRCh37 (hg19) VCF-style: chr2-21232181-C-T.
Other names: short protein forms R2520Q.
Identifiers: ClinVar variation 920824 (VCV000920824.14), dbSNP rs199852015, ClinGen allele CA43502444.